The following is an entry in ClinVar:

NM_002968.3(SALL1):c.*9G>A

Gene: SALL1 (spalt like transcription factor 1; minus strand). Cytogenetic location: 16q12.1.
Variant type: single nucleotide variant.
Coding change: c.*9G>A on transcript NM_002968.3 (MANE Select); 9 bases downstream of the stop codon, G replaced by A.
Molecular consequence: 3 prime UTR variant.
Genome position (GRCh38, 1-based): chr16:51,137,103, C>T on the plus strand (G>A on the coding strand, the complement: SALL1 is on the minus strand). VCF-style: chr16-51137103-C-T. GRCh37 (hg19) VCF-style: chr16-51171014-C-T.
Other names: c.*9G>A (NM_001127892.2).
Identifiers: ClinVar variation 3052886 (VCV003052886.2), dbSNP rs753566942, ClinGen allele CA8052787.
Genomic context (GRCh38, chr16:51,137,103, plus strand): 5'-AGGAGTAGGAGGCCACCATAGGTCGCATTCTGAACAGGAATGAATGCTATGTCTCCAGCC[C>T]GAGCTGCTTTAACTCGTGACGATCTCCTTGCTGTCCTCCACGAAGCGGGTGAAGCGGAAG-3'

ClinVar aggregate classification (germline): Likely benign (0 of 4 stars; one submission).

Conditions:
SALL1-related disorder. Also called: SALL1-related condition.

Allele frequency attached by ClinVar (database versions not stated): gnomAD 0.00001; gnomAD exomes 0.00001; TOPMed 0.00001.
gnomAD v4.1: 23 of 1,613,868 alleles (0.0014%); highest among the groups gnomAD compares: Middle Eastern, 0.016%; no homozygotes.

Submission:

PreventionGenetics, part of Exact Sciences
Classification: Likely benign for SALL1-related condition. Last evaluated: 2019-08-13. Review status: no assertion criteria provided. Collection method: clinical testing. Allele origin: germline.
Comment: This variant is classified as likely benign based on ACMG/AMP sequence variant interpretation guidelines (Richards et al. 2015 PMID: 25741868, with internal and published modifications).